The following is an entry in ClinVar:

ClinVar aggregate classification (germline): Uncertain significance. Review status: criteria provided, multiple submitters, no conflicts (2 of 4 stars). 8 submissions from 8 submitters: Uncertain significance (7). 1 of the submissions does not count toward it. Last evaluated 2025-12-20.

Conditions:
ATM-related disorder. Also called: ATM-related disorders; ATM-related condition.
Breast and/or ovarian cancer. Identifiers: MedGen CN221562.
Hereditary cancer-predisposing syndrome. Also called: Neoplastic Syndromes, Hereditary; Tumor predisposition; Hereditary Cancer Syndrome; Hereditary neoplastic syndrome. Identifiers: Orphanet 140162, MedGen C0027672, MeSH D009386, MONDO:0015356.
Familial cancer of breast. Also called: hereditary breast carcinoma; BREAST CANCER, FAMILIAL; Hereditary breast cancer. Identifiers: Orphanet 227535, MedGen C0346153, MONDO:0016419, OMIM 114480. Disease mechanism: loss of function.
Ataxia-telangiectasia syndrome (AT). Also called: LOUIS-BAR SYNDROME; Cerebello-oculocutaneous telangiectasia; Immunodeficiency with ataxia telangiectasia; Ataxia-telangiectasia, complementation group E; Ataxia-telangiectasia, complementation group D; AT, COMPLEMENTATION GROUP C. Identifiers: Orphanet 100, MedGen C0004135, MONDO:0008840, OMIM 208900.
Malignant tumor of breast. Also called: Malignant breast neoplasm; Cancer breast. Identifiers: MedGen C0006142, MONDO:0007254. Disease mechanism: loss of function.

Allele frequency attached by ClinVar (database versions not stated): gnomAD exomes 0.00001; TOPMed 0.00001; ExAC 0.00003; 1000 Genomes Project 0.00020; 1000 Genomes Project 30x 0.00031.
gnomAD v4.1: 8 of 1,609,330 alleles (0.0005%); highest among the groups gnomAD compares: African/African-American, 0.0027%; no homozygotes.

Submissions (8):

PreventionGenetics, part of Exact Sciences
Classification: Uncertain significance for ATM-related condition. Last evaluated: 2025-12-20. Review status: criteria provided, single submitter. Criteria: ACMG Guidelines, 2015. Collection method: clinical testing. Allele origin: germline.
Comment: The ATM c.2158C>T variant is predicted to result in the amino acid substitution p.Arg720Cys. This variant has been reported in the literature in individuals with breast or prostate cancer and in control individuals (Tavtigian et al. 2009. PubMed ID: 19781682; Momozawa et al. 2020. PubMed ID: 31214711; Supp. Table 2, Momozawa et al. 2018. PubMed ID: 30287823; Supp. Table 6, Mizukami et al. 2020. PubMed ID: 32980694). This variant is reported in 0.012% of alleles in individuals of African descent in gnomAD and is interpreted as uncertain in ClinVar (Variation ID: 407475). At this time, the clinical significance of this variant is uncertain due to the absence of conclusive functional and genetic evidence.

Labcorp Genetics (formerly Invitae), Labcorp
Classification: Uncertain significance for Ataxia-telangiectasia syndrome. Last evaluated: 2025-08-31. Review status: criteria provided, single submitter. Criteria: Invitae Variant Classification Sherloc (09022015). Collection method: clinical testing. Allele origin: germline.
Comment: This sequence change replaces arginine, which is basic and polar, with cysteine, which is neutral and slightly polar, at codon 720 of the ATM protein (p.Arg720Cys). This variant is present in population databases (rs565622131, gnomAD 0.01%). This missense change has been observed in individual(s) with breast cancer and/or prostate cancer (PMID: 19781682, 31214711). ClinVar contains an entry for this variant (Variation ID: 407475). Invitae Evidence Modeling of protein sequence and biophysical properties (such as structural, functional, and spatial information, amino acid conservation, physicochemical variation, residue mobility, and thermodynamic stability) indicates that this missense variant is not expected to disrupt ATM protein function with a negative predictive value of 95%. In summary, the available evidence is currently insufficient to determine the role of this variant in disease. Therefore, it has been classified as a Variant of Uncertain Significance.

Color Diagnostics, LLC DBA Color Health
Classification: Uncertain significance for Hereditary cancer-predisposing syndrome. Last evaluated: 2024-04-30. Review status: criteria provided, single submitter. Criteria: ACMG Guidelines, 2015. Collection method: clinical testing. Allele origin: germline.
Comment: This missense variant replaces arginine with cysteine at codon 720 of the ATM protein. Computational prediction suggests that this variant may not impact protein structure and function. To our knowledge, functional studies have not been reported for this variant. This variant has been reported in individuals affected with breast cancer (PMID: 19781682, 33471991), an individual with prostate cancer (PMID: 31214711), and individuals without cancer (PMID: 30287823, 31214711, 32980694, 33471991). This variant has been identified in 4/251022 chromosomes in the general population by the Genome Aggregation Database (gnomAD). The available evidence is insufficient to determine the role of this variant in disease conclusively. Therefore, this variant is classified as a Variant of Uncertain Significance.

Ambry Genetics
Classification: Uncertain significance for Hereditary cancer-predisposing syndrome. Last evaluated: 2024-03-12. Review status: criteria provided, single submitter. Criteria: Ambry Variant Classification Scheme 2023. Collection method: clinical testing. Allele origin: germline.
Comment: The p.R720C variant (also known as c.2158C>T), located in coding exon 13 of the ATM gene, results from a C to T substitution at nucleotide position 2158. The arginine at codon 720 is replaced by cysteine, an amino acid with highly dissimilar properties. This alteration has been reported in multiple individuals diagnosed with breast cancer (Tavtigian SV et al. Am. J. Hum. Genet. 2009 Oct;85:427-46; Hauke J et al. Cancer Med, 2018 04;7:1349-1358; Lerner-Ellis J et al. J Cancer Res Clin Oncol. 2021 147, 871&ndash;879). This amino acid position is poorly conserved in available vertebrate species. In addition, this alteration is predicted to be tolerated by in silico analysis. Based on the available evidence, the clinical significance of this alteration remains unclear.

Baylor Genetics
Classification: Uncertain significance for Familial cancer of breast. Last evaluated: 2024-03-06. Review status: criteria provided, single submitter. Criteria: ACMG Guidelines, 2015. Collection method: clinical testing. Allele origin: unknown.

GeneDx
Classification: Uncertain significance. Last evaluated: 2024-01-22. Review status: criteria provided, single submitter. Criteria: GeneDx Variant Classification Process June 2021. Collection method: clinical testing. Allele origin: germline. Affected: yes.
Comment: Not observed at significant frequency in large population cohorts (gnomAD); In silico analysis supports that this missense variant does not alter protein structure/function; This variant is associated with the following publications: (PMID: 36243179, 19781682, 30287823)

CHEO Genetics Diagnostic Laboratory, Children's Hospital of Eastern Ontario
Classification: Uncertain significance for Breast and/or ovarian cancer. Last evaluated: 2023-06-29. Review status: criteria provided, single submitter. Criteria: ACMG Guidelines, 2015. Collection method: clinical testing. Allele origin: germline.

Department of Pathology and Laboratory Medicine, Sinai Health System
Classification: Uncertain significance for Malignant tumor of breast. Review status: no assertion criteria provided. Collection method: clinical testing. Allele origin: unknown. Affected: yes. Study: The Canadian Open Genetics Repository (COGR). Not counted in ClinVar's aggregate classification.
Comment: The ATM p.Arg720Cys variant was identified in 1 of 8224 proband chromosomes (frequency: 0.0001) from individuals or families with breast cancer and was not identified in 4792 control chromosomes from healthy individuals (Tavtigian 2009). The variant was identified in dbSNP (ID: rs565622131) â€šÃ„ÃºWith Uncertain significance alleleâ€šÃ„Ã¹, ClinVar (classified as uncertain significance by Invitae, GeneDx and Ambry Genetics) and LOVD 3.0 (3x). The variant was also identified in control databases in 4 of 245874 chromosomes at a frequency of 0.00002 (Genome Aggregation Database Feb 27, 2017). It was observed in the following populations: African in 2 of 15296 chromosomes (freq: 0.0001), Latino in 1 of 33536 chromosomes (freq: 0.00003) and European Non-Finnish in 1 of 111552 chromosomes (freq: 0.000009); it was not observed in the Other, Ashkenazi Jewish, East Asian, European Finnish, or South Asian populations. The p.Arg720Cys residue is not conserved in mammals and four out of five computational analyses (PolyPhen-2, SIFT, AlignGVGD, BLOSUM, MutationTaster) do not suggest a high likelihood of impact to the protein; however, this information is not predictive enough to rule out pathogenicity. The variant occurs outside of the splicing consensus sequence and in silico or computational prediction software programs (SpliceSiteFinder, MaxEntScan, NNSPLICE, GeneSplicer) do not predict a difference in splicing. In summary, based on the above information, the clinical significance of this variant cannot be determined with certainty at this time. This variant is classified as a variant of uncertain significance.

Literature cited by the submitters: PubMed 19781682 (cited by 3 submitters); PubMed 31214711 (cited by Labcorp Genetics (formerly Invitae), Labcorp and Color Diagnostics, LLC DBA Color Health); PubMed 30287823 (cited by Color Diagnostics, LLC DBA Color Health and Ambry Genetics); PubMed 32980694 (cited by Color Diagnostics, LLC DBA Color Health); PubMed 33471991 (cited by Color Diagnostics, LLC DBA Color Health); PubMed 29522266 (cited by Ambry Genetics); PubMed 32885271 (cited by Ambry Genetics).

NM_000051.4(ATM):c.2158C>T (p.Arg720Cys)

Gene: ATM (ATM serine/threonine kinase; plus strand). Cytogenetic location: 11q22.3.
Variant type: single nucleotide variant.
Coding change: c.2158C>T on transcript NM_000051.4 (MANE Select); coding-DNA position 2158, C replaced by T.
Protein change: p.Arg720Cys; replaces arginine 720 with cysteine.
Molecular consequence: missense variant.
Genome position (GRCh38, 1-based): chr11:108,256,248, C>T. VCF-style: chr11-108256248-C-T. GRCh37 (hg19) VCF-style: chr11-108126975-C-T.
Other names: c.2158C>T, p.Arg720Cys (NM_001351834.2); short protein forms R720C.
Identifiers: ClinVar variation 407475 (VCV000407475.27), dbSNP rs565622131, ClinGen allele CA6264959.